The following is an entry in ClinVar:

NM_000038.6(APC):c.8252C>T (p.Thr2751Ile)

Gene: APC (APC regulator of Wnt signaling pathway; plus strand). Cytogenetic location: 5q22.2.
Variant type: single nucleotide variant.
Coding change: c.8252C>T on transcript NM_000038.6 (MANE Select); coding-DNA position 8252, C replaced by T.
Protein change: p.Thr2751Ile; replaces threonine 2751 with isoleucine.
Molecular consequence: missense variant.
Genome position (GRCh38, 1-based): chr5:112,843,846, C>T. VCF-style: chr5-112843846-C-T. GRCh37 (hg19) VCF-style: chr5-112179543-C-T.
Other names: c.8252C>T, p.Thr2751Ile (NM_001127510.3, NM_001354895.2); c.8198C>T, p.Thr2733Ile (NM_001127511.3); c.8306C>T, p.Thr2769Ile (NM_001354896.2); c.8282C>T, p.Thr2761Ile (NM_001354897.2); c.8177C>T, p.Thr2726Ile (NM_001354898.2); c.8168C>T, p.Thr2723Ile (NM_001354899.2); c.8129C>T, p.Thr2710Ile (NM_001354900.2); c.8075C>T, p.Thr2692Ile (NM_001354901.2); and 5 more; short protein forms T2733I, T2751I, T2591I, T2660I, T2723I, T2761I, T2650I, T2625I.
Identifiers: ClinVar variation 537521 (VCV000537521.17), dbSNP rs1441515372, ClinGen allele CA16039241.

ClinVar aggregate classification (germline): Uncertain significance. Review status: criteria provided, multiple submitters, no conflicts (2 of 4 stars). 5 submissions from 5 submitters: Uncertain significance (5). Last evaluated 2025-06-16.

Conditions:
Hereditary cancer-predisposing syndrome. Also called: Tumor predisposition; Hereditary Cancer Syndrome; Hereditary neoplastic syndrome; Neoplastic Syndromes, Hereditary. Identifiers: Orphanet 140162, MedGen C0027672, MeSH D009386, MONDO:0015356.
Classic or attenuated familial adenomatous polyposis. Identifiers: MedGen CN372698, MONDO:0021057.
Familial adenomatous polyposis 1 (FAP1). Also called: FAMILIAL ADENOMATOUS POLYPOSIS 1, ATTENUATED; POLYPOSIS, ADENOMATOUS INTESTINAL. Identifiers: MedGen C2713442, MONDO:0021056, OMIM 175100. Disease mechanism: loss of function.

Allele frequency attached by ClinVar (database versions not stated): gnomAD exomes below 0.00001; TOPMed 0.00001.
gnomAD v4.1: 1 of 1,614,076 alleles (0.000062%); highest among the groups gnomAD compares: African/African-American, 0.0013%; no homozygotes.

Submissions (5):

Ambry Genetics
Classification: Uncertain significance for Hereditary cancer-predisposing syndrome. Last evaluated: 2025-06-16. Review status: criteria provided, single submitter. Criteria: Ambry Variant Classification Scheme 2023. Collection method: clinical testing. Allele origin: germline.
Comment: The p.T2751I variant (also known as c.8252C>T), located in coding exon 15 of the APC gene, results from a C to T substitution at nucleotide position 8252. The threonine at codon 2751 is replaced by isoleucine, an amino acid with similar properties. This amino acid position is not well conserved in available vertebrate species. In addition, in silico predictors for this gene do not accurately predict pathogenicity. Missense alterations in APC are not a common cause of disease (Spier I et al. Genet Med. 2024 Feb;26(2):100992). Based on the available evidence, the clinical significance of this variant remains unclear.

Labcorp Genetics (formerly Invitae), Labcorp
Classification: Uncertain significance for Familial adenomatous polyposis 1. Last evaluated: 2024-08-06. Review status: criteria provided, single submitter. Criteria: Invitae Variant Classification Sherloc (09022015). Collection method: clinical testing. Allele origin: germline.
Comment: This sequence change replaces threonine, which is neutral and polar, with isoleucine, which is neutral and non-polar, at codon 2751 of the APC protein (p.Thr2751Ile). This variant is present in population databases (no rsID available, gnomAD 0.007%). This variant has not been reported in the literature in individuals affected with APC-related conditions. ClinVar contains an entry for this variant (Variation ID: 537521). Advanced modeling of protein sequence and biophysical properties (such as structural, functional, and spatial information, amino acid conservation, physicochemical variation, residue mobility, and thermodynamic stability) performed at Invitae indicates that this missense variant is not expected to disrupt APC protein function with a negative predictive value of 95%. In summary, the available evidence is currently insufficient to determine the role of this variant in disease. Therefore, it has been classified as a Variant of Uncertain Significance.

All of Us Research Program, National Institutes of Health
Classification: Uncertain significance for Classic or attenuated familial adenomatous polyposis. Last evaluated: 2023-12-13. Review status: criteria provided, single submitter. Criteria: ACMG Guidelines, 2015. Collection method: clinical testing. Allele origin: germline. Inheritance: Autosomal dominant inheritance. Observed: 1 variant allele, 1 heterozygote.
Comment: This missense variant replaces threonine with isoleucine at codon 2751 of the APC protein. Computational prediction suggests that this variant may not impact protein structure and function (internally defined REVEL score threshold <= 0.5, PMID: 27666373). To our knowledge, functional studies have not been reported for this variant. This variant has not been reported in individuals affected with APC-related disorders in the literature. This variant has been identified in 1/251124 chromosomes in the general population by the Genome Aggregation Database (gnomAD). The available evidence is insufficient to determine the role of this variant in disease conclusively. Therefore, this variant is classified as a Variant of Uncertain Significance.

This study involves interpretation of variants in research participants for the purpose of population health screening. Participant phenotype was not available at the time of variant classification. Additional details can be found in publication PMID: 35346344, PMCID: PMC8962531

Color Diagnostics, LLC DBA Color Health
Classification: Uncertain significance for Hereditary cancer-predisposing syndrome. Last evaluated: 2023-11-15. Review status: criteria provided, single submitter. Criteria: ACMG Guidelines, 2015. Collection method: clinical testing. Allele origin: germline.
Comment: This missense variant replaces threonine with isoleucine at codon 2751 of the APC protein. Computational prediction suggests that this variant may not impact protein structure and function (internally defined REVEL score threshold <= 0.5, PMID: 27666373). To our knowledge, functional studies have not been reported for this variant. This variant has not been reported in individuals affected with APC-related disorders in the literature. This variant has been identified in 1/251124 chromosomes in the general population by the Genome Aggregation Database (gnomAD). The available evidence is insufficient to determine the role of this variant in disease conclusively. Therefore, this variant is classified as a Variant of Uncertain Significance.

Baylor Genetics
Classification: Uncertain significance for Familial adenomatous polyposis 1. Last evaluated: 2023-08-03. Review status: criteria provided, single submitter. Criteria: ACMG Guidelines, 2015. Collection method: clinical testing. Allele origin: unknown.